The following is an entry in ClinVar:

ClinVar aggregate classification (germline): Uncertain significance (1 of 4 stars; one submission).

Conditions:
Thrombophilia due to protein C deficiency, autosomal dominant. Also called: PROC DEFICIENCY, AUTOSOMAL DOMINANT; PROTEIN C DEFICIENCY, AUTOSOMAL DOMINANT. Identifiers: Orphanet 745, MedGen C2674321, MONDO:0008316, OMIM 176860. Disease mechanism: loss of function.

Allele frequency attached by ClinVar (database versions not stated): TOPMed below 0.00001.

Submission:

Labcorp Genetics (formerly Invitae), Labcorp
Classification: Uncertain significance for Thrombophilia due to protein C deficiency, autosomal dominant. Last evaluated: 2021-12-25. Review status: criteria provided, single submitter. Criteria: Invitae Variant Classification Sherloc (09022015). Collection method: clinical testing. Allele origin: germline.
Comment: This sequence change replaces arginine, which is basic and polar, with histidine, which is basic and polar, at codon 272 of the PROC protein (p.Arg272His). This variant is not present in population databases (gnomAD no frequency). This variant has not been reported in the literature in individuals affected with PROC-related conditions. Algorithms developed to predict the effect of missense changes on protein structure and function are either unavailable or do not agree on the potential impact of this missense change (SIFT: "Deleterious"; PolyPhen-2: "Probably Damaging"; Align-GVGD: "Class C0"). This variant disrupts the p.Arg272 amino acid residue in PROC. Other variant(s) that disrupt this residue have been determined to be pathogenic (PMID: 1868249, 8093743, 22627591, 31064749). This suggests that this residue is clinically significant, and that variants that disrupt this residue are likely to be disease-causing. In summary, the available evidence is currently insufficient to determine the role of this variant in disease. Therefore, it has been classified as a Variant of Uncertain Significance.

Literature cited by the submitters: PubMed 1868249; PubMed 8093743; PubMed 22627591; PubMed 31064749.

NM_000312.4(PROC):c.815G>A (p.Arg272His)

Gene: PROC (protein C, inactivator of coagulation factors Va and VIIIa; plus strand). Cytogenetic location: 2q14.3.
Variant type: single nucleotide variant.
Coding change: c.815G>A on transcript NM_000312.4 (MANE Select); coding-DNA position 815, G replaced by A.
Protein change: p.Arg272His; replaces arginine 272 with histidine.
Molecular consequence: missense variant.
Genome position (GRCh38, 1-based): chr2:127,428,375, G>A. VCF-style: chr2-127428375-G-A. GRCh37 (hg19) VCF-style: chr2-128185951-G-A.
Other names: c.758G>A, p.Arg253His (NM_001375608.1); c.791G>A, p.Arg264His (NM_001375609.1); c.809G>A, p.Arg270His (NM_001375610.1); c.815G>A, p.Arg272His (NM_001375611.1, NM_001375613.1); c.998G>A, p.Arg333His (NM_001375602.1); c.980G>A, p.Arg327His (NM_001375603.1); c.878G>A, p.Arg293His (NM_001375604.1); c.917G>A, p.Arg306His (NM_001375605.1); and 2 more; short protein forms R334H, R253H, R264H, R272H, R293H, R328H, R333H, R306H.
Identifiers: ClinVar variation 2153469 (VCV002153469.1), dbSNP rs1302897340, ClinGen allele CA348404281.